The following is an entry in ClinVar:

NM_000051.4(ATM):c.6821C>G (p.Ala2274Gly)

Genes: ATM (ATM serine/threonine kinase; plus strand), C11orf65 (chromosome 11 open reading frame 65; minus strand). Cytogenetic location: 11q22.3.
Variant type: single nucleotide variant.
Coding change: c.6821C>G on transcript NM_000051.4 (MANE Select); coding-DNA position 6821, C replaced by G.
Protein change: p.Ala2274Gly; replaces alanine 2274 with glycine.
Molecular consequence: missense variant. On other transcripts: intron variant (2).
Genome position (GRCh38, 1-based): chr11:108,326,071, C>G. VCF-style: chr11-108326071-C-G. GRCh37 (hg19) VCF-style: chr11-108196798-C-G.
Other names: c.6821C>G, p.Ala2274Gly (NM_001351834.2); c.641-17000G>C (NM_001330368.2); c.*38+9149G>C (NM_001351110.2); short protein forms A2274G.
Identifiers: ClinVar variation 2793415 (VCV002793415.3), dbSNP rs2085647482, ClinGen allele CA382556501.

ClinVar aggregate classification (germline): Uncertain significance (1 of 4 stars; one submission).

Conditions:
Ataxia-telangiectasia syndrome (AT). Also called: LOUIS-BAR SYNDROME; Cerebello-oculocutaneous telangiectasia; Immunodeficiency with ataxia telangiectasia; Ataxia telangiectasia (A-T); Ataxia-telangiectasia, complementation group D; AT, COMPLEMENTATION GROUP C. Identifiers: Orphanet 100, MedGen C0004135, MONDO:0008840, OMIM 208900.

Submission:

Labcorp Genetics (formerly Invitae), Labcorp
Classification: Uncertain significance for Ataxia-telangiectasia syndrome. Last evaluated: 2023-06-14. Review status: criteria provided, single submitter. Criteria: Invitae Variant Classification Sherloc (09022015). Collection method: clinical testing. Allele origin: germline.
Comment: This sequence change replaces alanine, which is neutral and non-polar, with glycine, which is neutral and non-polar, at codon 2274 of the ATM protein (p.Ala2274Gly). This variant is not present in population databases (gnomAD no frequency). In summary, the available evidence is currently insufficient to determine the role of this variant in disease. Therefore, it has been classified as a Variant of Uncertain Significance. An algorithm developed to predict the effect of missense changes on protein structure and function (PolyPhen-2) suggests that this variant is likely to be disruptive. This variant has not been reported in the literature in individuals affected with ATM-related conditions.